The following is an entry in ClinVar:

ClinVar aggregate classification (germline): Benign/Likely benign. Review status: criteria provided, multiple submitters, no conflicts (2 of 4 stars). 4 submissions from 4 submitters: Benign (2); Likely benign (1). 1 of the submissions does not count toward it. Last evaluated 2025-12-24.

Conditions:
Cardiovascular phenotype. Identifiers: MedGen CN230736.
EPHB4-related disorder. Also called: EPHB4-related disorders; EPHB4-related condition.
Capillary malformation-arteriovenous malformation 2 (CMAVM2). Identifiers: Orphanet 693912, MedGen C4748670, MONDO:0020785, OMIM 618196.
Lymphatic malformation 7 (LMPHM7). Also called: Hydrops fetalis, nonimmune, and/or atrial septal defect, susceptibility to. Identifiers: MedGen C4310629, MONDO:0015009, OMIM 617300.

Allele frequency attached by ClinVar (database versions not stated): ESP Exome Variant Server 0.00015; TOPMed 0.00106; 1000 Genomes Project 0.00559; ExAC 0.00251; gnomAD exomes 0.00055 and 0.00190; gnomAD 0.00059 and 0.00082; 1000 Genomes Project 30x 0.00578.
gnomAD v4.1: 944 of 1,609,574 alleles (0.059%); highest among the groups gnomAD compares: East Asian, 1.9%; 13 homozygotes.

Submissions (4):

Labcorp Genetics (formerly Invitae), Labcorp
Classification: Benign. Last evaluated: 2025-12-24. Review status: criteria provided, single submitter. Criteria: Invitae Variant Classification Sherloc (09022015). Collection method: clinical testing. Allele origin: germline.

Ambry Genetics
Classification: Benign for Cardiovascular phenotype. Last evaluated: 2024-09-05. Review status: criteria provided, single submitter. Criteria: Ambry Variant Classification Scheme 2023. Collection method: clinical testing. Allele origin: germline.

Fulgent Genetics
Classification: Likely benign for Lymphatic malformation 7; Capillary malformation-arteriovenous malformation 2. Last evaluated: 2021-09-17. Review status: criteria provided, single submitter. Criteria: ACMG Guidelines, 2015. Collection method: clinical testing. Allele origin: unknown.

PreventionGenetics, part of Exact Sciences
Classification: Benign for EPHB4-related condition. Last evaluated: 2019-08-10. Review status: no assertion criteria provided. Collection method: clinical testing. Allele origin: germline. Not counted in ClinVar's aggregate classification.
Comment: This variant is classified as benign based on ACMG/AMP sequence variant interpretation guidelines (Richards et al. 2015 PMID: 25741868, with internal and published modifications).

NM_004444.5(EPHB4):c.1112C>T (p.Ala371Val)

Gene: EPHB4 (EPH receptor B4; minus strand). Cytogenetic location: 7q22.1.
Variant type: single nucleotide variant.
Coding change: c.1112C>T on transcript NM_004444.5 (MANE Select); coding-DNA position 1112, C replaced by T.
Protein change: p.Ala371Val; replaces alanine 371 with valine.
Molecular consequence: missense variant.
Genome position (GRCh38, 1-based): chr7:100,819,742, G>A on the plus strand (C>T on the coding strand, the complement: EPHB4 is on the minus strand). VCF-style: chr7-100819742-G-A. GRCh37 (hg19) VCF-style: chr7-100417364-G-A.
Other names: short protein forms A371V.
Identifiers: ClinVar variation 708347 (VCV000708347.13), dbSNP rs55720981, ClinGen allele CA4393099.
Genomic context (GRCh38, chr7:100,819,742, plus strand): 5'-ACCCAGGGCTCCACCAGGTCCCGGGGGCCGGGGTCAAAAGTCAGGTCTCCCCCGCAGGGC[G>A]CACAGGAGCCTCCGGGTCGGCACTCCCGGCAGCGGAGGGCGTAGGTGAGGTCCTCTCGGC-3'
Protein context (NP_004435.3, residues 361-381): CRECRPGGSC[Ala371Val]PCGGDLTFDP